The following is an entry in ClinVar:

NM_001267550.2(TTN):c.49793G>A (p.Trp16598Ter)

Genes: TTN (titin; minus strand), TTN-AS1 (TTN antisense RNA 1; plus strand). Cytogenetic location: 2q31.2.
Variant type: single nucleotide variant.
Coding change: c.49793G>A on transcript NM_001267550.2 (MANE Select); coding-DNA position 49793, G replaced by A.
Protein change: p.Trp16598Ter; replaces tryptophan 16598 with a stop codon.
Molecular consequence: nonsense.
Genome position (GRCh38, 1-based): chr2:178,612,928, C>T on the plus strand (G>A on the coding strand, the complement: TTN is on the minus strand). VCF-style: chr2-178612928-C-T. GRCh37 (hg19) VCF-style: chr2-179477655-C-T.
Other names: c.44870G>A, p.Trp14957Ter (NM_001256850.1); c.22598G>A, p.Trp7533Ter (NM_003319.4); c.42089G>A, p.Trp14030Ter (NM_133378.4); c.22973G>A, p.Trp7658Ter (NM_133432.3); c.23174G>A, p.Trp7725Ter (NM_133437.4); short protein forms W14957*, W7533*, W7658*, W14030*, W16598*, W7725*.
Identifiers: ClinVar variation 2451940 (VCV002451940.5), dbSNP rs2056613965, ClinGen allele CA349600997.

ClinVar aggregate classification (germline): Likely pathogenic. Review status: criteria provided, multiple submitters, no conflicts (2 of 4 stars). 2 submissions from 2 submitters: Likely pathogenic (2). Last evaluated 2023-12-09.

Conditions:
Autosomal recessive limb-girdle muscular dystrophy type 2J (LGMDR10). Also called: Limb-girdle muscular dystrophy, type 2J; MUSCULAR DYSTROPHY, LIMB-GIRDLE, AUTOSOMAL RECESSIVE 10. Identifiers: Orphanet 140922, MedGen C1837342, MONDO:0012127, OMIM 608807.
Dilated cardiomyopathy 1G (CMD1G). Identifiers: Orphanet 154, MedGen C1858763, MONDO:0011400, OMIM 604145.
Cardiovascular phenotype. Identifiers: MedGen CN230736.

Allele frequency attached by ClinVar (database versions not stated): gnomAD exomes below 0.00001.
gnomAD v4.1: 1 of 1,612,746 alleles (0.000062%); highest among the groups gnomAD compares: Non-Finnish European, 0.000085%; no homozygotes.

Submissions (2):

Labcorp Genetics (formerly Invitae), Labcorp
Classification: Likely pathogenic for Dilated cardiomyopathy 1G; Autosomal recessive limb-girdle muscular dystrophy type 2J. Last evaluated: 2023-12-09. Review status: criteria provided, single submitter. Criteria: Invitae Variant Classification Sherloc (09022015). Collection method: clinical testing. Allele origin: germline.
Comment: This sequence change creates a premature translational stop signal (p.Trp16598*) in the TTN gene. While this is not anticipated to result in nonsense mediated decay, it is expected to disrupt the last 19394 amino acid(s) of the TTN protein. This variant is not present in population databases (gnomAD no frequency). This variant has not been reported in the literature in individuals affected with TTN-related conditions. ClinVar contains an entry for this variant (Variation ID: 2451940). Algorithms developed to predict the effect of sequence changes on RNA splicing suggest that this variant may disrupt the consensus splice site. This variant is located in the A band of TTN (PMID: 25589632). Truncating variants in this region are significantly overrepresented in patients affected with dilated cardiomyopathy (PMID: 25589632). Truncating variants in this region have also been reported in individuals affected with autosomal recessive centronuclear myopathy (PMID: 23975875). In summary, the currently available evidence indicates that the variant is pathogenic, but additional data are needed to prove that conclusively. Therefore, this variant has been classified as Likely Pathogenic.

Ambry Genetics
Classification: Likely pathogenic for Cardiovascular phenotype. Last evaluated: 2023-03-06. Review status: criteria provided, single submitter. Criteria: Ambry Variant Classification Scheme 2023. Collection method: clinical testing. Allele origin: germline.
Comment: The p.W7533* variant (also known as c.22598G>A), located in coding exon 92 of the TTN gene, results from a G to A substitution at nucleotide position 22598. This changes the amino acid from a tryptophan to a stop codon within coding exon 92. This exon is located in the A-band region of the N2-B isoform of the titin protein and is constitutively expressed in TTN transcripts (percent spliced in or PSI 100%).This variant (referred to as NM_001267550.2:c.49793G>A, p.Trp16598Ter) has been detected in an individual with noncompaction cardiomyopathy (Schuermans N et al. Orphanet J Rare Dis, 2022 May;17:210). This variant is considered to be rare based on population cohorts in the Genome Aggregation Database (gnomAD). This alteration is expected to result in loss of function by premature protein truncation or nonsense-mediated mRNA decay. While truncating variants in TTN are present in 1-3% of the general population, truncating variants in the A-band are the most common cause of dilated cardiomyopathy (DCM) (Herman DS et al. N. Engl. J. Med., 2012 Feb;366:619-28; Roberts AM et al. Sci Transl Med, 2015 Jan;7:270ra6). TTN truncating variants encoded in constitutive exons (PSI >90%) have been found to be significantly associated with DCM regardless of their position in titin (Schafer S et al. Nat. Genet., 2017 01;49:46-53). Based on the majority of available evidence to date, this variant is likely to be pathogenic.

Literature cited by the submitters: PubMed 25589632 (cited by Labcorp Genetics (formerly Invitae), Labcorp); PubMed 23975875 (cited by Labcorp Genetics (formerly Invitae), Labcorp); PubMed 35606766 (cited by Ambry Genetics).